The following is an entry in ClinVar:

ClinVar aggregate classification (germline): Likely benign (0 of 4 stars; one submission).

Conditions:
CHRNA3-related disorder. Also called: CHRNA3-related condition.

Submission:

PreventionGenetics, part of Exact Sciences
Classification: Likely benign for CHRNA3-related condition. Last evaluated: 2024-06-04. Review status: no assertion criteria provided. Collection method: clinical testing. Allele origin: germline.
Comment: This variant is classified as likely benign based on ACMG/AMP sequence variant interpretation guidelines (Richards et al. 2015 PMID: 25741868, with internal and published modifications).

NM_000743.5(CHRNA3):c.49CTG[5] (p.Leu22_Leu23del)

Gene: CHRNA3 (cholinergic receptor nicotinic alpha 3 subunit; minus strand). Cytogenetic location: 15q25.1.
Variant type: Microsatellite.
Coding change: c.49CTG[5] on transcript NM_000743.5 (MANE Select); five copies in a row of the 3-base unit CTG starting at c.49; the reference has seven copies in a row; two copies, 6 bases deleted.
Protein change: p.Leu22_Leu23del.
Molecular consequence: inframe deletion. On other transcripts: non-coding transcript variant (1).
Genome position (GRCh38, 1-based): chr15:78,620,726-78,620,731, CAGCAG deleted on the plus strand (CTGCTG on the coding strand, the reverse complement: CHRNA3 is on the minus strand); deleting any 6 consecutive bases within chr15:78,620,726-78,620,747 gives the same sequence; the position shown is the placement nearest the transcript's 3' end. VCF-style (leftmost placement, unchanged base first): chr15-78620725-ACAGCAG-A. GRCh37 (hg19) VCF-style: chr15-78913067-ACAGCAG-A.
Other names: c.49CTG[5], p.Leu22_Leu23del (NM_001166694.2).
Identifiers: ClinVar variation 3352903 (VCV003352903.1).